The following is an entry in ClinVar:

NM_006947.4(SRP72):c.1917T>A (p.Ser639Arg)

Gene: SRP72 (signal recognition particle 72; plus strand). Cytogenetic location: 4q12.
Variant type: single nucleotide variant.
Coding change: c.1917T>A on transcript NM_006947.4 (MANE Select); coding-DNA position 1917, T replaced by A.
Protein change: p.Ser639Arg; replaces serine 639 with arginine.
Molecular consequence: missense variant. On other transcripts: non-coding transcript variant (1).
Genome position (GRCh38, 1-based): chr4:56,501,762, T>A. VCF-style: chr4-56501762-T-A. GRCh37 (hg19) VCF-style: chr4-57367928-T-A.
Other names: c.1734T>A, p.Ser578Arg (NM_001267722.2); short protein forms S578R, S639R.
Identifiers: ClinVar variation 3801442 (VCV003801442.1).

ClinVar aggregate classification (germline): Uncertain significance (1 of 4 stars; one submission).

Submission:

Ambry Genetics
Classification: Uncertain significance. Last evaluated: 2025-01-14. Review status: criteria provided, single submitter. Criteria: Ambry Variant Classification Scheme 2023. Collection method: clinical testing. Allele origin: germline.
Comment: The p.S639R variant (also known as c.1917T>A), located in coding exon 19 of the SRP72 gene, results from a T to A substitution at nucleotide position 1917. The serine at codon 639 is replaced by arginine, an amino acid with dissimilar properties. This amino acid position is conserved. In addition, this alteration is predicted to be tolerated by in silico analysis. Based on the available evidence, the clinical significance of this variant remains unclear.